The following is an entry in ClinVar:

NC_000011.10:g.(?_2883979)_(2885755_?)dup

Gene: CDKN1C (cyclin dependent kinase inhibitor 1C; minus strand). Cytogenetic location: 11p15.4.
Variant type: Duplication.
Identifiers: ClinVar variation 831486 (VCV000831486.2).

ClinVar aggregate classification (germline): Uncertain significance (1 of 4 stars; one submission).

Conditions:
Beckwith-Wiedemann syndrome (BWS). Also called: Exomphalos macroglossia gigantism syndrome; EMG SYNDROME. Identifiers: Orphanet 116, MedGen C0004903, MONDO:0007534, OMIM 130650.

Submission:

Labcorp Genetics (formerly Invitae), Labcorp
Classification: Uncertain significance for Beckwith-Wiedemann syndrome. Last evaluated: 2019-12-13. Review status: criteria provided, single submitter. Criteria: Invitae Variant Classification Sherloc (09022015). Collection method: clinical testing. Allele origin: germline.
Comment: This variant results in a copy number gain of the genomic region encompassing the full coding sequence of the CDKN1C gene. The boundaries of this event are unknown as they extend beyond the assayed region for this gene and therefore may encompass additional genes. As the precise location of this event is unknown, it may be in tandem or it may be located elsewhere in the genome. Isolated whole-gene copy number gains of CDKN1C have not been reported in the literature. However, larger copy number events that include this gene have been reported (PMID: 25427884, 21910219). Experimental studies and prediction algorithms are not available or were not evaluated, and the functional significance of this variant is currently unknown. In summary, the available evidence is currently insufficient to determine the role of this variant in disease. Therefore, it has been classified as a Variant of Uncertain Significance.

Literature cited by the submitters: PubMed 25427884; PubMed 21910219.